The following is an entry in ClinVar:

NM_005921.2(MAP3K1):c.5CGG[6] (p.Ala5_Gly6insAlaAla)

Genes: MAP3K1 (mitogen-activated protein kinase kinase kinase 1; plus strand), LOC129993918 (ATAC-STARR-seq lymphoblastoid silent region 16021; plus strand). Cytogenetic location: 5q11.2.
Variant type: Microsatellite.
Coding change: c.5CGG[6] on transcript NM_005921.2 (MANE Select); six copies in a row of the 3-base unit CGG starting at c.5; the reference has four copies in a row; two copies, 6 bases duplicated.
Protein change: p.Ala5_Gly6insAlaAla.
Molecular consequence: inframe insertion, initiator codon variant.
Genome position (GRCh38, 1-based): chr5:56,815,584-56,815,589, CGGCGG duplicated; duplicating any 6 consecutive bases within chr5:56,815,576-56,815,589 gives the same sequence; the position shown is the placement nearest the transcript's 3' end. VCF-style (leftmost placement, unchanged base first): chr5-56815575-T-TGGCGGC. GRCh37 (hg19) VCF-style: chr5-56111402-T-TGGCGGC.
Identifiers: ClinVar variation 1954822 (VCV001954822.6), dbSNP rs779149827, ClinGen allele CA917480589.
Genomic context (GRCh38, chr5:56,815,575, plus strand): 5'-GCTCTCCCCGCCCCCTCCCTCCCTCGCAGGGGCCGAGCGAATGTAGCCCGCGAGAGAAAA[T>TGGCGGC]GGCGGCGGCGGCGGGGAATCGCGCCTCGTCGTCGGGATTCCCGGGCGCCAGGGCTACGAG-3'

ClinVar aggregate classification (germline): Uncertain significance (1 of 4 stars; one submission).

Conditions:
46,XY sex reversal 6. Also called: 46,XY SEX REVERSAL, PARTIAL OR COMPLETE, MAP3K1-RELATED; 46,XY GONADAL DYSGENESIS, PARTIAL OR COMPLETE, MAP3K1-RELATED. Identifiers: MedGen C3151064, MONDO:0013410, OMIM 613762.

Submission:

Labcorp Genetics (formerly Invitae), Labcorp
Classification: Uncertain significance for 46,XY sex reversal 6. Last evaluated: 2022-08-17. Review status: criteria provided, single submitter. Criteria: Invitae Variant Classification Sherloc (09022015). Collection method: clinical testing. Allele origin: germline.
Comment: In summary, the available evidence is currently insufficient to determine the role of this variant in disease. Therefore, it has been classified as a Variant of Uncertain Significance. Experimental studies and prediction algorithms are not available or were not evaluated, and the functional significance of this variant is currently unknown. This variant, c.11_16dup, results in the insertion of 2 amino acid(s) of the MAP3K1 protein (p.Ala4_Ala5dup), but otherwise preserves the integrity of the reading frame. This variant is not present in population databases (gnomAD no frequency). This variant has not been reported in the literature in individuals affected with MAP3K1-related conditions.